The following is an entry in ClinVar:

ClinVar aggregate classification (germline): Uncertain significance (1 of 4 stars; one submission).

Conditions:
Early-infantile DEE. Also called: Early infantile epileptic encephalopathy; Ohtahara syndrome; Early infantile epileptic encephalopathy with suppression bursts. Identifiers: Orphanet 1934, MedGen C0393706, MONDO:0800491.

Allele frequency attached by ClinVar (database versions not stated): TOPMed 0.00001; gnomAD exomes 0.00001.
gnomAD v4.1: 3 of 1,612,234 alleles (0.00019%); highest among the groups gnomAD compares: Admixed American, 0.0033%; no homozygotes.

Submission:

Labcorp Genetics (formerly Invitae), Labcorp
Classification: Uncertain significance for Early-infantile DEE. Last evaluated: 2022-11-01. Review status: criteria provided, single submitter. Criteria: Invitae Variant Classification Sherloc (09022015). Collection method: clinical testing. Allele origin: germline.
Comment: In summary, the available evidence is currently insufficient to determine the role of this variant in disease. Therefore, it has been classified as a Variant of Uncertain Significance. Variants that disrupt the consensus splice site are a relatively common cause of aberrant splicing (PMID: 17576681, 9536098). Algorithms developed to predict the effect of sequence changes on RNA splicing suggest that this variant is not likely to affect RNA splicing. ClinVar contains an entry for this variant (Variation ID: 655377). This variant has not been reported in the literature in individuals affected with ARHGEF15-related conditions. This variant is present in population databases (no rsID available, gnomAD 0.006%). This sequence change falls in intron 11 of the ARHGEF15 gene. It does not directly change the encoded amino acid sequence of the ARHGEF15 protein. It affects a nucleotide within the consensus splice site.

Literature cited by the submitters: PubMed 17576681; PubMed 9536098.

NM_173728.4(ARHGEF15):c.1872+5A>G

Gene: ARHGEF15 (Rho guanine nucleotide exchange factor 15; plus strand). Cytogenetic location: 17p13.1.
Variant type: single nucleotide variant.
Coding change: c.1872+5A>G on transcript NM_173728.4 (MANE Select); 5 bases into the intron after coding-DNA position 1872, A replaced by G.
Molecular consequence: intron variant.
Genome position (GRCh38, 1-based): chr17:8,318,667, A>G. VCF-style: chr17-8318667-A-G. GRCh37 (hg19) VCF-style: chr17-8221985-A-G.
Other names: c.1872+5A>G (NM_025014.2).
Identifiers: ClinVar variation 655377 (VCV000655377.9), dbSNP rs879552088, ClinGen allele CA287572378.